The following is an entry in ClinVar:

ClinVar aggregate classification (germline): Uncertain significance. Review status: criteria provided, single submitter (1 of 4 stars). 2 submissions from 2 submitters: Uncertain significance (1). 1 of the submissions does not count toward it. Last evaluated 2022-04-30.

Conditions:
Glycogen storage disease, type II (IOPD). Also called: GLYCOGENOSIS, GENERALIZED, CARDIAC FORM; GSD II; POMPE DISEASE, INFANTILE-ONSET; GLYCOGEN STORAGE DISEASE II, INFANTILE-ONSET; ACID ALPHA-GLUCOSIDASE DEFICIENCY, INFANTILE-ONSET; GAA DEFICIENCY, INFANTILE-ONSET. Identifiers: Orphanet 365, MedGen C0017921, MONDO:0009290, OMIM 232300.

Allele frequency attached by ClinVar (database versions not stated): gnomAD exomes 0.00001 and 0.00003; gnomAD 0.00004 and 0.00005; TOPMed 0.00005; ExAC 0.00006; ESP Exome Variant Server 0.00008.
gnomAD v4.1: 20 of 1,597,454 alleles (0.0013%); highest among the groups gnomAD compares: Middle Eastern, 0.017%; no homozygotes.

Submissions (2):

Labcorp Genetics (formerly Invitae), Labcorp
Classification: Uncertain significance for Glycogen storage disease, type II. Last evaluated: 2022-04-30. Review status: criteria provided, single submitter. Criteria: Invitae Variant Classification Sherloc (09022015). Collection method: clinical testing. Allele origin: germline.
Comment: This sequence change replaces aspartic acid, which is acidic and polar, with asparagine, which is neutral and polar, at codon 861 of the GAA protein (p.Asp861Asn). This variant is present in population databases (rs372604133, gnomAD 0.02%). This variant has not been reported in the literature in individuals affected with GAA-related conditions. ClinVar contains an entry for this variant (Variation ID: 934280). Advanced modeling of protein sequence and biophysical properties (such as structural, functional, and spatial information, amino acid conservation, physicochemical variation, residue mobility, and thermodynamic stability) performed at Invitae indicates that this missense variant is expected to disrupt GAA protein function. In summary, the available evidence is currently insufficient to determine the role of this variant in disease. Therefore, it has been classified as a Variant of Uncertain Significance.

Natera, Inc.
Classification: Uncertain significance for Glycogen storage disease type II. Last evaluated: 2020-06-01. Review status: no assertion criteria provided. Collection method: clinical testing. Allele origin: germline. Not counted in ClinVar's aggregate classification.

NM_000152.5(GAA):c.2581G>A (p.Asp861Asn)

Gene: GAA (alpha glucosidase; plus strand). Cytogenetic location: 17q25.3.
Variant type: single nucleotide variant.
Coding change: c.2581G>A on transcript NM_000152.5 (MANE Select); coding-DNA position 2581, G replaced by A.
Protein change: p.Asp861Asn; replaces aspartic acid 861 with asparagine.
Molecular consequence: missense variant.
Genome position (GRCh38, 1-based): chr17:80,118,292, G>A. VCF-style: chr17-80118292-G-A. GRCh37 (hg19) VCF-style: chr17-78092091-G-A.
Other names: c.2581G>A, p.Asp861Asn (NM_001079803.3, NM_001079804.3); short protein forms D861N.
Identifiers: ClinVar variation 934280 (VCV000934280.7), dbSNP rs372604133, ClinGen allele CA8815793.